The following is an entry in ClinVar:

NM_015570.4(AUTS2):c.3604G>A (p.Gly1202Ser)

Gene: AUTS2 (activator of transcription and developmental regulator AUTS2; plus strand). Cytogenetic location: 7q11.22.
Variant type: single nucleotide variant.
Coding change: c.3604G>A on transcript NM_015570.4 (MANE Select); coding-DNA position 3604, G replaced by A.
Protein change: p.Gly1202Ser; replaces glycine 1202 with serine.
Molecular consequence: missense variant.
Genome position (GRCh38, 1-based): chr7:70,790,820, G>A. VCF-style: chr7-70790820-G-A. GRCh37 (hg19) VCF-style: chr7-70255806-G-A.
Other names: c.3532G>A, p.Gly1178Ser (NM_001127231.3); short protein forms G1178S, G1202S.
Identifiers: ClinVar variation 2657541 (VCV002657541.24), dbSNP rs2485000853, ClinGen allele CA367666545.

ClinVar aggregate classification (germline): Uncertain significance (1 of 4 stars; one submission).

Submission:

CeGaT Center for Human Genetics Tuebingen
Classification: Uncertain significance. Last evaluated: 2023-02-01. Review status: criteria provided, single submitter. Criteria: CeGaT Center For Human Genetics Tuebingen Variant Classification Criteria Version 2. Collection method: clinical testing. Allele origin: germline. Affected: yes. Observed: 1 variant allele.
Comment: AUTS2: PM2